The following is an entry in ClinVar:

NM_000059.4(BRCA2):c.5026A>C (p.Ser1676Arg)

Gene: BRCA2 (BRCA2 DNA repair associated; plus strand). Cytogenetic location: 13q13.1.
Variant type: single nucleotide variant.
Coding change: c.5026A>C on transcript NM_000059.4 (MANE Select); coding-DNA position 5026, A replaced by C.
Protein change: p.Ser1676Arg; replaces serine 1676 with arginine.
Molecular consequence: missense variant.
Genome position (GRCh38, 1-based): chr13:32,339,381, A>C. VCF-style: chr13-32339381-A-C. GRCh37 (hg19) VCF-style: chr13-32913518-A-C.
Other names: short protein forms S1676R.
Identifiers: ClinVar variation 187418 (VCV000187418.16), dbSNP rs786203719, ClinGen allele CA021146.

ClinVar aggregate classification (germline): Conflicting classifications of pathogenicity. Review status: criteria provided, conflicting classifications (1 of 4 stars). 3 submissions from 3 submitters: Uncertain significance (2); Likely benign (1). Last evaluated 2025-12-23.

Conditions:
Hereditary cancer-predisposing syndrome. Also called: Neoplastic Syndromes, Hereditary; Tumor predisposition; Hereditary Cancer Syndrome; Hereditary neoplastic syndrome. Identifiers: Orphanet 140162, MedGen C0027672, MeSH D009386, MONDO:0015356.
Hereditary breast ovarian cancer syndrome. Also called: Hereditary breast and ovarian cancer; Hereditary breast and/or ovarian cancer syndrome; BRCA1- and BRCA2-Associated Hereditary Breast and Ovarian Cancer; Hereditary breast and ovarian cancer syndrome (HBOC); Hereditary breast and ovarian cancer syndrome; Breast and ovarian cancer. Identifiers: Orphanet 145, MedGen C0677776, MeSH D061325, MONDO:0003582. Disease mechanism: loss of function.

Submissions (3):

Labcorp Genetics (formerly Invitae), Labcorp
Classification: Uncertain significance for Hereditary breast ovarian cancer syndrome. Last evaluated: 2025-12-23. Review status: criteria provided, single submitter. Criteria: Invitae Variant Classification Sherloc (09022015). Collection method: clinical testing. Allele origin: germline.
Comment: This sequence change replaces serine, which is neutral and polar, with arginine, which is basic and polar, at codon 1676 of the BRCA2 protein (p.Ser1676Arg). This variant is not present in population databases (gnomAD no frequency). This variant has not been reported in the literature in individuals affected with BRCA2-related conditions. ClinVar contains an entry for this variant (Variation ID: 187418). Invitae Evidence Modeling of protein sequence and biophysical properties (such as structural, functional, and spatial information, amino acid conservation, physicochemical variation, residue mobility, and thermodynamic stability) indicates that this missense variant is not expected to disrupt BRCA2 protein function with a negative predictive value of 95%. In summary, the available evidence is currently insufficient to determine the role of this variant in disease. Therefore, it has been classified as a Variant of Uncertain Significance.

Ambry Genetics
Classification: Uncertain significance for Hereditary cancer-predisposing syndrome. Last evaluated: 2025-04-18. Review status: criteria provided, single submitter. Criteria: Ambry Variant Classification Scheme 2023. Collection method: clinical testing. Allele origin: germline.

University of Washington Department of Laboratory Medicine, University of Washington
Classification: Likely benign for Hereditary cancer-predisposing syndrome. Last evaluated: 2023-03-23. Review status: criteria provided, single submitter. Criteria: Dines et al. (Genet Med. 2020). Collection method: curation. Allele origin: germline.
Comment: Missense variant in a coldspot region where missense variants are very unlikely to be pathogenic (PMID:31911673).

BRCA2 exon 11 coldspot. Reclassification based on statistical prior probability.